The following is an entry in ClinVar:

ClinVar aggregate classification (germline): Pathogenic (1 of 4 stars; one submission).

Submission:

Mayo Clinic Laboratories, Mayo Clinic
Classification: Pathogenic. Last evaluated: 2023-12-07. Review status: criteria provided, single submitter. Criteria: ACMG Guidelines, 2015. Collection method: clinical testing. Allele origin: germline. Observed: 1 variant allele.
Comment: PP4, PM2, PVS1

NM_001114753.3(ENG):c.732_739dup (p.Leu247fs)

Gene: ENG (endoglin; minus strand). Cytogenetic location: 9q34.11.
Variant type: Duplication.
Coding change: c.732_739dup on transcript NM_001114753.3 (MANE Select); coding-DNA positions 732 to 739, 8 bases duplicated (CGGGGATC; older notation c.732_739dupCGGGGATC).
Protein change: p.Leu247fs; shifts the reading frame from leucine 247.
Molecular consequence: frameshift variant.
Genome position (GRCh38, 1-based): chr9:127,825,308-127,825,315, GATCCCCG duplicated on the plus strand (CGGGGATC on the coding strand, the reverse complement: ENG is on the minus strand); duplicating any 8 consecutive bases within chr9:127,825,308-127,825,316 gives the same sequence; the c. name uses the placement nearest the transcript's 3' end. VCF-style (leftmost placement, unchanged base first): chr9-127825307-A-AGATCCCCG. GRCh37 (hg19) VCF-style: chr9-130587586-A-AGATCCCCG.
Other names: p.Leu247Profs*115; c.732_739dup, p.Leu247fs (NM_000118.4, NM_001406715.1); c.186_193dup, p.Leu65fs (NM_001278138.2); c.732_739dup (NM_001114753.2); short protein forms L247fs, L65fs.
Identifiers: ClinVar variation 3381057 (VCV003381057.1).